The following is an entry in ClinVar:

NM_005051.3(QARS1):c.699G>T (p.Lys233Asn)

Gene: QARS1 (glutaminyl-tRNA synthetase 1; minus strand). Cytogenetic location: 3p21.31.
Variant type: single nucleotide variant.
Coding change: c.699G>T on transcript NM_005051.3 (MANE Select); coding-DNA position 699, G replaced by T.
Protein change: p.Lys233Asn; replaces lysine 233 with asparagine.
Molecular consequence: missense variant. On other transcripts: non-coding transcript variant (1).
Genome position (GRCh38, 1-based): chr3:49,101,832, C>A on the plus strand (G>T on the coding strand, the complement: QARS1 is on the minus strand). VCF-style: chr3-49101832-C-A. GRCh37 (hg19) VCF-style: chr3-49139265-C-A.
Other names: c.666G>T, p.Lys222Asn (NM_001272073.2); c.699G>T (NM_005051.1); short protein forms K222N, K233N.
Identifiers: ClinVar variation 950951 (VCV000950951.5), dbSNP rs2042475313, ClinGen allele CA352715027.

ClinVar aggregate classification (germline): Uncertain significance. Review status: criteria provided, multiple submitters, no conflicts (2 of 4 stars). 2 submissions from 2 submitters: Uncertain significance (2). Last evaluated 2024-12-17.

Conditions:
Diffuse cerebral and cerebellar atrophy - intractable seizures - progressive microcephaly syndrome. Also called: Microcephaly, progressive, with seizures and cerebral and cerebellar atrophy. Identifiers: Orphanet 404437, MedGen C4014239, MONDO:0014335, OMIM 615760.
Inborn genetic diseases. Identifiers: MedGen C0950123, MeSH D030342.

Allele frequency attached by ClinVar (database versions not stated): gnomAD 0.00001.
gnomAD v4.1: 3 of 1,612,160 alleles (0.00019%); highest among the groups gnomAD compares: African/African-American, 0.0027%; no homozygotes.

Submissions (2):

Ambry Genetics
Classification: Uncertain significance for Inborn genetic diseases. Last evaluated: 2024-12-17. Review status: criteria provided, single submitter. Criteria: Ambry Variant Classification Scheme 2023. Collection method: clinical testing. Allele origin: germline.

Labcorp Genetics (formerly Invitae), Labcorp
Classification: Uncertain significance for Diffuse cerebral and cerebellar atrophy - intractable seizures - progressive microcephaly syndrome. Last evaluated: 2022-08-23. Review status: criteria provided, single submitter. Criteria: Invitae Variant Classification Sherloc (09022015). Collection method: clinical testing. Allele origin: germline.
Comment: This sequence change replaces lysine, which is basic and polar, with asparagine, which is neutral and polar, at codon 233 of the QARS protein (p.Lys233Asn). This variant is not present in population databases (gnomAD no frequency). This variant has not been reported in the literature in individuals affected with QARS-related conditions. ClinVar contains an entry for this variant (Variation ID: 950951). Algorithms developed to predict the effect of missense changes on protein structure and function are either unavailable or do not agree on the potential impact of this missense change (SIFT: "Deleterious"; PolyPhen-2: "Probably Damaging"; Align-GVGD: "Class C0"). In summary, the available evidence is currently insufficient to determine the role of this variant in disease. Therefore, it has been classified as a Variant of Uncertain Significance.